The following is an entry in ClinVar:

ClinVar aggregate classification (germline): Uncertain significance (1 of 4 stars; one submission).

Conditions:
PIEZO1-related disorder. Also called: PIEZO1-Related Disorders; PIEZO1-related condition.

gnomAD v4.1: 25 of 1,547,778 alleles (0.0016%); highest among the groups gnomAD compares: Non-Finnish European, 0.0021%; no homozygotes.

Submission:

PreventionGenetics, part of Exact Sciences
Classification: Uncertain significance for PIEZO1-related condition. Last evaluated: 2025-11-14. Review status: criteria provided, single submitter. Criteria: ACMG Guidelines, 2015. Collection method: clinical testing. Allele origin: germline.
Comment: The PIEZO1 c.4490C>T variant is predicted to result in the amino acid substitution p.Ala1497Val. The functional study showed that this variant affects PIEZO1 protein (Lichtenstein et al. 2024. PubMed ID: 39331703). This variant is reported in 0.0028% of alleles in individuals of European (Non-Finnish) descent in gnomAD. At this time, the clinical significance of this variant is uncertain due to the absence of conclusive functional and genetic evidence.

NM_001142864.4(PIEZO1):c.4490C>T (p.Ala1497Val)

Gene: PIEZO1 (piezo type mechanosensitive ion channel component 1 (Er blood group); minus strand). Cytogenetic location: 16q24.3.
Variant type: single nucleotide variant.
Coding change: c.4490C>T on transcript NM_001142864.4 (MANE Select); coding-DNA position 4490, C replaced by T.
Protein change: p.Ala1497Val; replaces alanine 1497 with valine.
Molecular consequence: missense variant.
Genome position (GRCh38, 1-based): chr16:88,723,100, G>A on the plus strand (C>T on the coding strand, the complement: PIEZO1 is on the minus strand). VCF-style: chr16-88723100-G-A. GRCh37 (hg19) VCF-style: chr16-88789508-G-A.
Other names: short protein forms A1497V.
Identifiers: ClinVar variation 4977705 (VCV004977705.1).
Genomic context (GRCh38, chr16:88,723,100, plus strand): 5'-GGCAGCCTGTGGGGCCAAGAGAGACCTCCCACTCCCCAGCCCCGGGCCCACGTACCTGCC[G>A]CTGCCTCCTCGGGGCCCTCTGCTGGCTCCACCTCCTGGCTGGGACCACCTCCTGGGCACA-3'
Protein context (NP_001136336.2, residues 1487-1507): VEPAEGPEEA[Ala1497Val]AGRSHVVQRV